The following is an entry in ClinVar:

NM_015978.3(TNNI3K):c.2122-3C>G

Genes: FPGT-TNNI3K (FPGT-TNNI3K readthrough; plus strand), LRRC53 (leucine rich repeat containing 53; minus strand), TNNI3K (TNNI3 interacting kinase; plus strand). Cytogenetic location: 1p31.1.
Variant type: single nucleotide variant.
Coding change: c.2122-3C>G on transcript NM_015978.3 (MANE Select); 3 bases into the intron before coding-DNA position 2122, C replaced by G.
Molecular consequence: intron variant.
Genome position (GRCh38, 1-based): chr1:74,489,186, C>G. VCF-style: chr1-74489186-C-G. GRCh37 (hg19) VCF-style: chr1-74954870-C-G.
Other names: c.2425-3C>G (NM_001112808.3); c.-8-8218G>C (NM_001364666.2); c.-26-5811G>C (NM_001382280.1).
Identifiers: ClinVar variation 1402197 (VCV001402197.6), dbSNP rs778956963, ClinGen allele CA909783.

ClinVar aggregate classification (germline): Uncertain significance (1 of 4 stars; one submission).

Allele frequency attached by ClinVar (database versions not stated): gnomAD exomes below 0.00001 and 0.00001; ExAC 0.00001; TOPMed 0.00001.
gnomAD v4.1: 1 of 1,609,260 alleles (0.000062%); highest among the groups gnomAD compares: East Asian, 0.0022%; no homozygotes.

Submission:

Labcorp Genetics (formerly Invitae), Labcorp
Classification: Uncertain significance. Last evaluated: 2021-06-21. Review status: criteria provided, single submitter. Criteria: Invitae Variant Classification Sherloc (09022015). Collection method: clinical testing. Allele origin: germline.
Comment: This sequence change falls in intron 21 of the TNNI3K gene. It does not directly change the encoded amino acid sequence of the TNNI3K protein. It affects a nucleotide within the consensus splice site of the intron. This variant is present in population databases (rs778956963, ExAC 0.01%). This variant has not been reported in the literature in individuals with TNNI3K-related conditions. Nucleotide substitutions within the consensus splice site are a relatively common cause of aberrant splicing (PMID: 17576681, 9536098). Algorithms developed to predict the effect of sequence changes on RNA splicing suggest that this variant may disrupt the consensus splice site, but this prediction has not been confirmed by published transcriptional studies. In summary, the available evidence is currently insufficient to determine the role of this variant in disease. Therefore, it has been classified as a Variant of Uncertain Significance.

Literature cited by the submitters: PubMed 17576681; PubMed 9536098.